The following is an entry in ClinVar:

ClinVar aggregate classification (germline): Uncertain significance (1 of 4 stars; one submission).

Allele frequency attached by ClinVar (database versions not stated): gnomAD 0.00001; TOPMed 0.00002; ExAC 0.00003; gnomAD exomes 0.00001.
gnomAD v4.1: 14 of 1,607,000 alleles (0.00087%); highest among the groups gnomAD compares: Admixed American, 0.0017%; no homozygotes.

Submission:

GeneDx
Classification: Uncertain significance. Last evaluated: 2017-05-19. Review status: criteria provided, single submitter. Criteria: GeneDx Variant Classification (06012015). Collection method: clinical testing. Allele origin: germline. Affected: yes.
Comment: The E364K variant in the POMT2 gene has not been reported previously as a pathogenic variant, nor as a benign variant, to our knowledge. The E364K variant is not observed at a significant frequency in large population cohorts (Lek et al., 2016; 1000 Genomes Consortium et al., 2015; Exome Variant Server). The E364K variant is a non-conservative amino acid substitution, which is likely to impact secondary protein structure as these residues differ in polarity, charge, size and/or other properties. This substitution occurs at a position that is conserved across species. In silico analysis is inconsistent in its predictions as to whether or not the variant is damaging to the protein structure/function. Therefore, we interpret E364K as a variant of uncertain significance.

NM_013382.7(POMT2):c.1090G>A (p.Glu364Lys)

Gene: POMT2 (protein O-mannosyltransferase 2; minus strand). Cytogenetic location: 14q24.3.
Variant type: single nucleotide variant.
Coding change: c.1090G>A on transcript NM_013382.7 (MANE Select); coding-DNA position 1090, G replaced by A.
Protein change: p.Glu364Lys; replaces glutamic acid 364 with lysine.
Molecular consequence: missense variant.
Genome position (GRCh38, 1-based): chr14:77,296,190, C>T on the plus strand (G>A on the coding strand, the complement: POMT2 is on the minus strand). VCF-style: chr14-77296190-C-T. GRCh37 (hg19) VCF-style: chr14-77762533-C-T.
Other names: short protein forms E364K.
Identifiers: ClinVar variation 430083 (VCV000430083.2), dbSNP rs772255938, ClinGen allele CA7285990.